The following is an entry in ClinVar:

NC_000009.12:g.(?_21994129)_(21994341_?)dup

Gene: CDKN2A (cyclin dependent kinase inhibitor 2A; minus strand). Cytogenetic location: 9p21.3.
Variant type: Duplication.
Identifiers: ClinVar variation 831198 (VCV000831198.2).

ClinVar aggregate classification (germline): Uncertain significance (1 of 4 stars; one submission).

Conditions:
Familial melanoma. Also called: Hereditary melanoma; Hereditary cutaneous melanoma. Identifiers: Orphanet 618, MedGen C1512419, MONDO:0018961.

Submission:

Labcorp Genetics (formerly Invitae), Labcorp
Classification: Uncertain significance for Hereditary cutaneous melanoma. Last evaluated: 2019-03-28. Review status: criteria provided, single submitter. Criteria: Invitae Variant Classification Sherloc (09022015). Collection method: clinical testing. Allele origin: germline.
Comment: This variant results in a copy number gain of the genomic region encompassing exon1 of the CDKN2A (p14ARF) gene. The 5' end of this event is unknown as it extends beyond the assayed region for this gene and therefore may encompass additional genes. The 3' boundary is likely confined to intron 1 of the CDKN2A (p14ARF) gene, which includes the initiator codon. As the precise location of this event is unknown, it may be in tandem or it may be located elsewhere in the genome. This variant has not been reported in the literature in individuals with CDKN2A (p14ARF)-related conditions. Experimental studies and prediction algorithms are not available for this variant, and the functional significance of the affected amino acid(s) is currently unknown. In summary, the available evidence is currently insufficient to determine the role of this variant in disease. Therefore, it has been classified as a Variant of Uncertain Significance.